The following is an entry in ClinVar:

ClinVar aggregate classification (germline): Pathogenic/Likely pathogenic. Review status: criteria provided, multiple submitters, no conflicts (2 of 4 stars). 3 submissions from 3 submitters: Pathogenic (2); Likely pathogenic (1). Last evaluated 2026-04-14.

Conditions:
Progressive familial intrahepatic cholestasis type 2. Identifiers: Orphanet 79304, MedGen C3489789, MONDO:0011156, OMIM 601847.
Familial intrahepatic cholestasis. Identifiers: Orphanet 284385, MedGen CN296401, MONDO:0017290.

gnomAD v4.1: 2 of 1,610,658 alleles (0.00012%); highest among the groups gnomAD compares: Non-Finnish European, 0.00017%; no homozygotes.

Submissions (3):

Genomenon, Inc
Classification: Pathogenic for Familial intrahepatic cholestasis. Last evaluated: 2026-04-14. Review status: criteria provided, single submitter. Criteria: Genomenon Sequence Variant Interpretation Standards - Updated. Collection method: curation. Allele origin: germline. Affected: yes.
Comment: ABCB11 c.2179-2A>G is a canonical splice variant affecting the acceptor splice site of intron 18. It is predicted to affect mRNA splicing, leading to a deleterious effect on the ABCB11 protein. This variant has been observed in at least one proband with an ABCB11-related disorder (PMID:18395098;31450232). It is absent or not present at a significant frequency in gnomAD. In conclusion, we classify ABCB11 c.2179-2A>G as a pathogenic variant.

Broad Center for Mendelian Genomics, Broad Institute of MIT and Harvard
Classification: Pathogenic for Progressive familial intrahepatic cholestasis type 2. Last evaluated: 2025-01-24. Review status: criteria provided, single submitter. Criteria: ACMG Guidelines, 2015. Collection method: curation. Allele origin: germline. Inheritance: Autosomal recessive inheritance.
Comment: The c.2179-2A>G variant in ABCB11 has been reported, in the compound heterozygous state, in 1 individual with BSEP deficiency (PMID: 18395098), and has been identified in 0.0002% (2/1177828) of European (non-Finnish) chromosomes by the Genome Aggregation Database (gnomAD). Although this variant has been seen in the general population in a heterozygous state, its frequency is low enough to be consistent with a recessive carrier frequency. This variant is located in the 5' splice region. SpliceAI predictions indicate use of an out-of-frame cryptic splice site 1 bases from the intron-exon boundary, providing evidence that this variant may cause a frameshift and lead to a premature termination codon downstream. This alteration is then predicted to lead to a truncated or absent protein. However, this information is not predictive enough to determine pathogenicity. Loss of function of the ABCB11 gene is an established disease mechanism in autosomal recessive BSEP deficiency. In summary, this variant meets criteria to be classified as pathogenic for autosomal recessive BSEP deficiency. ACMG/AMP Criteria applied: PVS1, PM3, PM2_supporting (Richards 2015).

Natera, Inc.
Classification: Likely pathogenic for Progressive familial intrahepatic cholestasis type 2. Last evaluated: 2024-12-02. Review status: criteria provided, single submitter. Criteria: Natera Variant Classification Schema (03/2026). Collection method: clinical testing. Allele origin: germline.
Comment: The c.2179-2A>G variant in ABCB11 is a canonical splice acceptor site variant predicted to affect pre-mRNA splicing, which may result in an abnormal transcript and altered protein product. This variant is expected to result in nonsense mediated decay, truncation, or a dysfunctional protein product. This variant is rare in the general population with a frequency below the threshold expected for the associated phenotype(s). This variant has been observed in one or more individuals affected with the associated recessive disease, as either homozygous or compound heterozygous with a second variant (PMID: 31450232, 18395098). Given the available evidence, this variant is classified as Likely Pathogenic.

Literature cited by the submitters: PubMed 18395098 (cited by Genomenon, Inc and Natera, Inc.); PubMed 31450232 (cited by Genomenon, Inc and Natera, Inc.).

NM_003742.4(ABCB11):c.2179-2A>G

Gene: ABCB11 (ATP binding cassette subfamily B member 11; minus strand). Cytogenetic location: 2q31.1.
Variant type: single nucleotide variant.
Coding change: c.2179-2A>G on transcript NM_003742.4 (MANE Select); the canonical splice acceptor site of the intron before coding-DNA position 2179, A replaced by G.
Molecular consequence: splice acceptor variant.
Genome position (GRCh38, 1-based): chr2:168,958,130, T>C on the plus strand (A>G on the coding strand, the complement: ABCB11 is on the minus strand). VCF-style: chr2-168958130-T-C. GRCh37 (hg19) VCF-style: chr2-169814640-T-C.
Other names: NM_003742.4:c.2179-2A>G.
Identifiers: ClinVar variation 3776854 (VCV003776854.3).